The following is an entry in ClinVar:

ClinVar aggregate classification (germline): Uncertain significance (1 of 4 stars; one submission).

Conditions:
Hereditary leiomyomatosis and renal cell cancer. Also called: LEIOMYOMA, MULTIPLE CUTANEOUS; Reed syndrome; Multiple cutaneous and uterine leiomyomatosis; Cutaneous leiomyomata with uterine leiomyomata; Leiomyoma, hereditary multiple, of skin; Multiple cutaneous and uterine leiomyomata. Identifiers: Orphanet 523, MedGen C1708350, MONDO:0007888, OMIM 150800, HP:0007437. Disease mechanism: loss of function.
Fumarase deficiency (FMRD). Also called: Fumaric aciduria; Fumarate Hydratase Deficiency. Identifiers: Orphanet 24, MedGen C0342770, MONDO:0011730, OMIM 606812.

Submission:

Juno Genomics, Hangzhou Juno Genomics, Inc
Classification: Uncertain significance for Fumarase deficiency; Hereditary leiomyomatosis and renal cell cancer. Review status: criteria provided, single submitter. Criteria: ACMG Guidelines, 2015. Collection method: clinical testing. Allele origin: germline. Affected: yes.
Comment: Absent from controls (or at extremely low frequency if recessive) in Genome Aggregation Database.;Novel missense change at an amino acid residue where a different missense change determined to be pathogenic has been seen before.;Multiple lines of computational evidence support a deleterious effect on the gene or gene product.;Patient's phenotype or family history is highly specific for a disease with a single genetic etiology.

NM_000143.4(FH):c.1097G>T (p.Ser366Ile)

Gene: FH (fumarate hydratase; minus strand). Cytogenetic location: 1q43.
Variant type: single nucleotide variant.
Coding change: c.1097G>T on transcript NM_000143.4 (MANE Select); coding-DNA position 1097, G replaced by T.
Protein change: p.Ser366Ile; replaces serine 366 with isoleucine.
Molecular consequence: missense variant.
Genome position (GRCh38, 1-based): chr1:241,504,053, C>A on the plus strand (G>T on the coding strand, the complement: FH is on the minus strand). VCF-style: chr1-241504053-C-A. GRCh37 (hg19) VCF-style: chr1-241667353-C-A.
Other names: short protein forms S366I.
Identifiers: ClinVar variation 5018787 (VCV005018787.1).